The following is an entry in ClinVar:

NM_001372.4(DNAH9):c.11203A>T (p.Thr3735Ser)

Gene: DNAH9 (dynein axonemal heavy chain 9; plus strand). Cytogenetic location: 17p12.
Variant type: single nucleotide variant.
Coding change: c.11203A>T on transcript NM_001372.4 (MANE Select); coding-DNA position 11203, A replaced by T.
Protein change: p.Thr3735Ser; replaces threonine 3735 with serine.
Molecular consequence: missense variant.
Genome position (GRCh38, 1-based): chr17:11,891,867, A>T. VCF-style: chr17-11891867-A-T. GRCh37 (hg19) VCF-style: chr17-11795184-A-T.
Other names: c.139A>T, p.Thr47Ser (NM_004662.2); short protein forms T3735S, T47S.
Identifiers: ClinVar variation 2635740 (VCV002635740.2), dbSNP rs746060790, ClinGen allele CA8397763.
Genomic context (GRCh38, chr17:11,891,867, plus strand): 5'-GAGAGGGCTGCTCCTGACGAAAGCCTCAGGGAGCGGGTGGCCAACCTAATAGACAGCATA[A>T]CCTTCTCTGTGTACCAGTACACCATCCGCGGGCTCTTTGAGTGTGATAAGCTGACCTACC-3'
Protein context (NP_001363.2, residues 3725-3745): ERVANLIDSI[Thr3735Ser]FSVYQYTIRG

ClinVar aggregate classification (germline): Uncertain significance. Review status: criteria provided, multiple submitters, no conflicts (2 of 4 stars). 2 submissions from 2 submitters: Uncertain significance (2). Last evaluated 2025-08-06.

Conditions:
DNAH9-related disorder. Also called: DNAH9-related condition.
Inborn genetic diseases. Identifiers: MedGen C0950123, MeSH D030342.

Allele frequency attached by ClinVar (database versions not stated): gnomAD exomes 0.00001; ExAC 0.00002; TOPMed 0.00012; gnomAD 0.00013.
gnomAD v4.1: 41 of 1,613,972 alleles (0.0025%); highest among the groups gnomAD compares: African/African-American, 0.041%; no homozygotes.

Submissions (2):

Ambry Genetics
Classification: Uncertain significance for Inborn genetic diseases. Last evaluated: 2025-08-06. Review status: criteria provided, single submitter. Criteria: Ambry Variant Classification Scheme 2023. Collection method: clinical testing. Allele origin: germline.

PreventionGenetics, part of Exact Sciences
Classification: Uncertain significance for DNAH9-related condition. Last evaluated: 2023-09-16. Review status: criteria provided, single submitter. Criteria: ACMG Guidelines, 2015. Collection method: clinical testing. Allele origin: germline.
Comment: The DNAH9 c.11203A>T variant is predicted to result in the amino acid substitution p.Thr3735Ser. To our knowledge, this variant has not been reported in the literature. This variant is reported in 0.036% of alleles in individuals of African descent in gnomAD. At this time, the clinical significance of this variant is uncertain due to the absence of conclusive functional and genetic evidence.